The following is an entry in ClinVar:

NM_005422.4(TECTA):c.2216T>C (p.Leu739Pro)

Genes: TBCEL-TECTA (TBCEL-TECTA readthrough; plus strand), TECTA (tectorin alpha; plus strand). Cytogenetic location: 11q23.3.
Variant type: single nucleotide variant.
Coding change: c.2216T>C on transcript NM_005422.4 (MANE Select); coding-DNA position 2216, T replaced by C.
Protein change: p.Leu739Pro; replaces leucine 739 with proline.
Molecular consequence: missense variant.
Genome position (GRCh38, 1-based): chr11:121,128,193, T>C. VCF-style: chr11-121128193-T-C. GRCh37 (hg19) VCF-style: chr11-120998902-T-C.
Other names: c.3173T>C, p.Leu1058Pro (NM_001378761.1); short protein forms L739P, L1058P.
Identifiers: ClinVar variation 1404899 (VCV001404899.6), dbSNP rs2135081789, ClinGen allele CA383014671.

ClinVar aggregate classification (germline): Uncertain significance (1 of 4 stars; one submission).

Submission:

Labcorp Genetics (formerly Invitae), Labcorp
Classification: Uncertain significance. Last evaluated: 2024-01-02. Review status: criteria provided, single submitter. Criteria: Invitae Variant Classification Sherloc (09022015). Collection method: clinical testing. Allele origin: germline.
Comment: This sequence change replaces leucine, which is neutral and non-polar, with proline, which is neutral and non-polar, at codon 739 of the TECTA protein (p.Leu739Pro). This variant is not present in population databases (gnomAD no frequency). This variant has not been reported in the literature in individuals affected with TECTA-related conditions. ClinVar contains an entry for this variant (Variation ID: 1404899). Advanced modeling of protein sequence and biophysical properties (such as structural, functional, and spatial information, amino acid conservation, physicochemical variation, residue mobility, and thermodynamic stability) performed at Invitae indicates that this missense variant is not expected to disrupt TECTA protein function with a negative predictive value of 95%. In summary, the available evidence is currently insufficient to determine the role of this variant in disease. Therefore, it has been classified as a Variant of Uncertain Significance.